The following is an entry in ClinVar:

NM_000256.3(MYBPC3):c.2125G>A (p.Asp709Asn)

Gene: MYBPC3 (myosin binding protein C3; minus strand). Cytogenetic location: 11p11.2.
Variant type: single nucleotide variant.
Coding change: c.2125G>A on transcript NM_000256.3 (MANE Select); coding-DNA position 2125, G replaced by A.
Protein change: p.Asp709Asn; replaces aspartic acid 709 with asparagine.
Molecular consequence: missense variant.
Genome position (GRCh38, 1-based): chr11:47,339,347, C>T on the plus strand (G>A on the coding strand, the complement: MYBPC3 is on the minus strand). VCF-style: chr11-47339347-C-T. GRCh37 (hg19) VCF-style: chr11-47360898-C-T.
Other names: c.2125G>A, p.Asp709Asn (LRG_386t1); short protein forms D709N.
Identifiers: ClinVar variation 264066 (VCV000264066.19), dbSNP rs886039029, ClinGen allele CA10587728.
Genomic context (GRCh38, chr11:47,339,347, plus strand): 5'-GACAAACGAGCCTCCTCCTGACCTCAGTCTCACTCACCTTCTTGTCAAACACCCACTCAT[C>T]GCTGTCACCTGTGTCCTCTGGGGCATCTGGGGCTGGCCTGGCTGGGGCCTTATTCCCCTG-3'
Protein context (NP_000247.2, residues 699-719): PDAPEDTGDS[Asp709Asn]EWVFDKKLLC

ClinVar aggregate classification (germline): Uncertain significance. Review status: criteria provided, multiple submitters, no conflicts (2 of 4 stars). 4 submissions from 4 submitters: Uncertain significance (4). Last evaluated 2025-09-11.

Conditions:
Hypertrophic cardiomyopathy. Also called: HYPERTROPHIC MYOCARDIOPATHY. Identifiers: Orphanet 217569, MedGen C0007194, MeSH D002312, MONDO:0005045, HP:0001639.
Cardiovascular phenotype. Identifiers: MedGen CN230736.
Primary familial hypertrophic cardiomyopathy (HCM). Identifiers: Orphanet 99739, MedGen C0949658, MeSH D024741, MONDO:0024573. Inheritance: Various modes of inheritance.

Allele frequency attached by ClinVar (database versions not stated): TOPMed 0.00002; gnomAD 0.00003 and 0.00004.
gnomAD v4.1: 23 of 1,613,916 alleles (0.0014%); highest among the groups gnomAD compares: South Asian, 0.0033%; no homozygotes.

Submissions (4):

Labcorp Genetics (formerly Invitae), Labcorp
Classification: Uncertain significance for Hypertrophic cardiomyopathy. Last evaluated: 2025-09-11. Review status: criteria provided, single submitter. Criteria: Invitae Variant Classification Sherloc (09022015). Collection method: clinical testing. Allele origin: germline.
Comment: This sequence change replaces aspartic acid, which is acidic and polar, with asparagine, which is neutral and polar, at codon 709 of the MYBPC3 protein (p.Asp709Asn). This variant is present in population databases (no rsID available, gnomAD 0.01%). This variant has not been reported in the literature in individuals affected with MYBPC3-related conditions. ClinVar contains an entry for this variant (Variation ID: 264066). An algorithm developed to predict the effect of missense changes on protein structure and function outputs the following: PolyPhen-2: "Benign". The asparagine amino acid residue is found in multiple mammalian species, which suggests that this missense change does not adversely affect protein function. Algorithms developed to predict the effect of sequence changes on RNA splicing suggest that this variant may disrupt the consensus splice site. In summary, the available evidence is currently insufficient to determine the role of this variant in disease. Therefore, it has been classified as a Variant of Uncertain Significance.

Ambry Genetics
Classification: Uncertain significance for Cardiovascular phenotype. Last evaluated: 2025-03-31. Review status: criteria provided, single submitter. Criteria: Ambry Variant Classification Scheme 2023. Collection method: clinical testing. Allele origin: germline.
Comment: The p.D709N variant (also known as c.2125G>A), located in coding exon 22 of the MYBPC3 gene, results from a G to A substitution at nucleotide position 2125. The aspartic acid at codon 709 is replaced by asparagine, an amino acid with highly similar properties. This alteration has been reported in association with hypertrophic cardiomyopathy (HCM) (VanDyke RE et al. J Genet Couns, 2021 04;30:503-512; Harper AR et al. Nat Genet, 2021 02;53:135-142). This amino acid position is not well conserved in available vertebrate species. In addition, this alteration is predicted to be tolerated by in silico analysis. Since supporting evidence is limited at this time, the clinical significance of this alteration remains unclear.

All of Us Research Program, National Institutes of Health
Classification: Uncertain significance for Hypertrophic cardiomyopathy. Last evaluated: 2023-08-15. Review status: criteria provided, single submitter. Criteria: ACMG Guidelines, 2015. Collection method: clinical testing. Allele origin: germline. Inheritance: Autosomal dominant inheritance. Observed: 1 variant allele, 1 heterozygote.
Comment: This study involves interpretation of variants in research participants for the purpose of population health screening. Participant phenotype was not available at the time of variant classification. Additional details can be found in publication PMID: 35346344, PMCID: PMC8962531

Molecular Diagnostic Laboratory for Inherited Cardiovascular Disease, Montreal Heart Institute
Classification: Uncertain significance for Primary familial hypertrophic cardiomyopathy. Review status: criteria provided, single submitter. Criteria: ACMG Guidelines, 2015. Collection method: clinical testing. Allele origin: germline. Affected: yes.

Literature cited by the submitters: PubMed 33029862 (cited by Ambry Genetics); PubMed 33495597 (cited by Ambry Genetics).